The following is an entry in ClinVar:

ClinVar aggregate classification (germline): Uncertain significance. Review status: criteria provided, multiple submitters, no conflicts (2 of 4 stars). 2 submissions from 2 submitters: Uncertain significance (2). Last evaluated 2025-12-16.

Conditions:
Inborn genetic diseases. Identifiers: MedGen C0950123, MeSH D030342.

Submissions (2):

Ambry Genetics
Classification: Uncertain significance for Inborn genetic diseases. Last evaluated: 2025-12-16. Review status: criteria provided, single submitter. Criteria: Ambry Variant Classification Scheme 2023. Collection method: clinical testing. Allele origin: germline.

Labcorp Genetics (formerly Invitae), Labcorp
Classification: Uncertain significance. Last evaluated: 2025-05-04. Review status: criteria provided, single submitter. Criteria: Invitae Variant Classification Sherloc (09022015). Collection method: clinical testing. Allele origin: germline.
Comment: This sequence change replaces tyrosine, which is neutral and polar, with histidine, which is basic and polar, at codon 424 of the CSF1R protein (p.Tyr424His). This variant is not present in population databases (gnomAD no frequency). This variant has not been reported in the literature in individuals affected with CSF1R-related conditions. Invitae Evidence Modeling of protein sequence and biophysical properties (such as structural, functional, and spatial information, amino acid conservation, physicochemical variation, residue mobility, and thermodynamic stability) indicates that this missense variant is not expected to disrupt CSF1R protein function with a negative predictive value of 95%. In summary, the available evidence is currently insufficient to determine the role of this variant in disease. Therefore, it has been classified as a Variant of Uncertain Significance.

NM_001288705.3(CSF1R):c.1270T>C (p.Tyr424His)

Gene: CSF1R (colony stimulating factor 1 receptor; minus strand). Cytogenetic location: 5q32.
Variant type: single nucleotide variant.
Coding change: c.1270T>C on transcript NM_001288705.3 (MANE Select); coding-DNA position 1270, T replaced by C.
Protein change: p.Tyr424His; replaces tyrosine 424 with histidine.
Molecular consequence: missense variant. On other transcripts: non-coding transcript variant (2).
Genome position (GRCh38, 1-based): chr5:150,070,231, A>G on the plus strand (T>C on the coding strand, the complement: CSF1R is on the minus strand). VCF-style: chr5-150070231-A-G. GRCh37 (hg19) VCF-style: chr5-149449794-A-G.
Other names: c.1270T>C (NM_005211.3); c.1270T>C, p.Tyr424His (NM_001349736.2, NM_001375320.1, NM_005211.4); c.826T>C, p.Tyr276His (NM_001375321.1); short protein forms Y276H, Y424H.
Identifiers: ClinVar variation 4775734 (VCV004775734.2).
Genomic context (GRCh38, chr5:150,070,231, plus strand): 5'-AGCCCACTTACCTATCAGTGTGGCCACTGCACTGCAGCCATGTCACGTTGGGCTGGGGGT[A>G]CCCAGAGGCAGCACACAAAAGGGTGCCAGAGCCGTTGATGAATGTCCATATGACGCTTAC-3'
Protein context (NP_001275634.1, residues 414-434): SGTLLCAASG[Tyr424His]PQPNVTWLQC